The following is an entry in ClinVar:

ClinVar aggregate classification (germline): Uncertain significance. Review status: criteria provided, multiple submitters, no conflicts (2 of 4 stars). 3 submissions from 3 submitters: Uncertain significance (3). Last evaluated 2026-02-27.

Conditions:
Inborn genetic diseases. Identifiers: MedGen C0950123, MeSH D030342.

Allele frequency attached by ClinVar (database versions not stated): ESP Exome Variant Server 0.00015; ExAC 0.00001; gnomAD exomes 0.00001; gnomAD 0.00003 and 0.00004; TOPMed 0.00003.
gnomAD v4.1: 24 of 1,614,036 alleles (0.0015%); highest among the groups gnomAD compares: Non-Finnish European, 0.002%; no homozygotes.

Submissions (3):

Ambry Genetics
Classification: Uncertain significance for Inborn genetic diseases. Last evaluated: 2026-02-27. Review status: criteria provided, single submitter. Criteria: Ambry Variant Classification Scheme 2023. Collection method: clinical testing. Allele origin: germline.

Labcorp Genetics (formerly Invitae), Labcorp
Classification: Uncertain significance. Last evaluated: 2025-12-15. Review status: criteria provided, single submitter. Criteria: Invitae Variant Classification Sherloc (09022015). Collection method: clinical testing. Allele origin: germline.
Comment: This sequence change replaces valine, which is neutral and non-polar, with isoleucine, which is neutral and non-polar, at codon 965 of the MYH3 protein (p.Val965Ile). This variant is present in population databases (rs375927710, gnomAD 0.002%). This variant has not been reported in the literature in individuals affected with MYH3-related conditions. ClinVar contains an entry for this variant (Variation ID: 1432012). Invitae Evidence Modeling of protein sequence and biophysical properties (such as structural, functional, and spatial information, amino acid conservation, physicochemical variation, residue mobility, and thermodynamic stability) indicates that this missense variant is not expected to disrupt MYH3 protein function with a negative predictive value of 95%. In summary, the available evidence is currently insufficient to determine the role of this variant in disease. Therefore, it has been classified as a Variant of Uncertain Significance.

GeneDx
Classification: Uncertain significance. Last evaluated: 2022-04-06. Review status: criteria provided, single submitter. Criteria: GeneDx Variant Classification Process June 2021. Collection method: clinical testing. Allele origin: germline. Affected: yes.
Comment: Not observed at significant frequency in large population cohorts (gnomAD); In silico analysis supports that this missense variant does not alter protein structure/function; Has not been previously published as pathogenic or benign to our knowledge

NM_002470.4(MYH3):c.2893G>A (p.Val965Ile)

Gene: MYH3 (myosin heavy chain 3; minus strand). Cytogenetic location: 17p13.1.
Variant type: single nucleotide variant.
Coding change: c.2893G>A on transcript NM_002470.4 (MANE Select); coding-DNA position 2893, G replaced by A.
Protein change: p.Val965Ile; replaces valine 965 with isoleucine.
Molecular consequence: missense variant.
Genome position (GRCh38, 1-based): chr17:10,639,592, C>T on the plus strand (G>A on the coding strand, the complement: MYH3 is on the minus strand). VCF-style: chr17-10639592-C-T. GRCh37 (hg19) VCF-style: chr17-10542909-C-T.
Other names: short protein forms V965I.
Identifiers: ClinVar variation 1432012 (VCV001432012.10), dbSNP rs375927710, ClinGen allele CA8392663.